The following is an entry in ClinVar:

NM_001130009.3(GEN1):c.2601C>G (p.Phe867Leu)

Gene: GEN1 (GEN1 Holliday junction 5' flap endonuclease; plus strand). Cytogenetic location: 2p24.2.
Variant type: single nucleotide variant.
Coding change: c.2601C>G on transcript NM_001130009.3 (MANE Select); coding-DNA position 2601, C replaced by G.
Protein change: p.Phe867Leu; replaces phenylalanine 867 with leucine.
Molecular consequence: missense variant.
Genome position (GRCh38, 1-based): chr2:17,781,813, C>G. VCF-style: chr2-17781813-C-G. GRCh37 (hg19) VCF-style: chr2-17963080-C-G.
Other names: c.2601C>G, p.Phe867Leu (NM_182625.5); short protein forms F867L.
Identifiers: ClinVar variation 3853604 (VCV003853604.1).

ClinVar aggregate classification (germline): Uncertain significance (1 of 4 stars; one submission).

gnomAD v4.1: 16 of 1,612,390 alleles (0.00099%); highest among the groups gnomAD compares: Non-Finnish European, 0.0014%; no homozygotes.

Submission:

Ambry Genetics
Classification: Uncertain significance. Last evaluated: 2025-03-01. Review status: criteria provided, single submitter. Criteria: Ambry Variant Classification Scheme 2023. Collection method: clinical testing. Allele origin: germline.
Comment: The p.F867L variant (also known as c.2601C>G), located in coding exon 13 of the GEN1 gene, results from a C to G substitution at nucleotide position 2601. The phenylalanine at codon 867 is replaced by leucine, an amino acid with highly similar properties. This amino acid position is conserved. In addition, this alteration is predicted to be tolerated by in silico analysis. Based on the available evidence, the clinical significance of this variant remains unclear.